The following is an entry in ClinVar:

ClinVar aggregate classification (germline): Pathogenic. Review status: criteria provided, multiple submitters, no conflicts (2 of 4 stars). 3 submissions from 3 submitters: Pathogenic (2). 1 of the submissions does not count toward it. Last evaluated 2024-01-01.

Conditions:
NPHP3-related disorder. Also called: NPHP3-related disorders; NPHP3-related condition. Identifiers: MedGen CN379163.
Nephronophthisis 3 (NPHP3). Also called: Adolescent nephronophthisis. Identifiers: Orphanet 655, MedGen C1858392, MONDO:0011456, OMIM 604387.
NPHP3-related Meckel-like syndrome. Also called: Meckel syndrome type 7; GOLDSTON SYNDROME. Identifiers: Orphanet 3032, MedGen C2673885, MONDO:0009966, OMIM 267010.

Submissions (3):

Daryl Scott Lab, Baylor College of Medicine
Classification: Pathogenic for NPHP3-related disorder. Last evaluated: 2024-01-01. Review status: criteria provided, single submitter. Criteria: ACMG Guidelines, 2015. Collection method: clinical testing. Allele origin: biparental. Affected: yes. Observed: 1 homozygote.
Comment: PVS1, PM2

Baylor Genetics
Classification: Pathogenic for NPHP3-related Meckel-like syndrome. Last evaluated: 2019-11-07. Review status: criteria provided, single submitter. Criteria: ACMG Guidelines, 2015. Collection method: clinical testing. Allele origin: unknown. Affected: yes.
Comment: This variant was determined to be pathogenic according to ACMG Guidelines, 2015 [PMID:25741868].

Biochemical Molecular Genetic Laboratory, King Abdulaziz Medical City
Classification: Likely pathogenic for Nephronophthisis 3. Last evaluated: 2019-09-26. Review status: no assertion criteria provided. Collection method: clinical testing. Allele origin: germline. Affected: yes. Not counted in ClinVar's aggregate classification.

NM_153240.5(NPHP3):c.3406C>T (p.Gln1136Ter)

Genes: NPHP3 (nephrocystin 3; minus strand), NPHP3-ACAD11 (NPHP3-ACAD11 readthrough (NMD candidate); minus strand). Cytogenetic location: 3q22.1.
Variant type: single nucleotide variant.
Coding change: c.3406C>T on transcript NM_153240.5 (MANE Select); coding-DNA position 3406, C replaced by T.
Protein change: p.Gln1136Ter; replaces glutamine 1136 with a stop codon.
Molecular consequence: nonsense. On other transcripts: non-coding transcript variant (1).
Genome position (GRCh38, 1-based): chr3:132,684,718, G>A on the plus strand (C>T on the coding strand, the complement: NPHP3 is on the minus strand). VCF-style: chr3-132684718-G-A. GRCh37 (hg19) VCF-style: chr3-132403562-G-A.
Other names: short protein forms Q1136*.
Identifiers: ClinVar variation 800889 (VCV000800889.3), dbSNP rs1576660495, ClinGen allele CA354579080.